The following is an entry in ClinVar:

ClinVar aggregate classification (germline): Likely benign. Review status: criteria provided, multiple submitters, no conflicts (2 of 4 stars). 2 submissions from 2 submitters: Likely benign (2). Last evaluated 2025-06-15.

Conditions:
TBX3-related disorder. Also called: TBX3-related condition.
Ulnar-mammary syndrome (UMS). Also called: SCHINZEL SYNDROME; Ulnar-mammary syndrome of Pallister; PALLISTER ULNAR-MAMMARY SYNDROME. Identifiers: Orphanet 3138, MedGen C1866994, MONDO:0008411, OMIM 181450.

gnomAD v4.1: 29 of 1,613,990 alleles (0.0018%); highest among the groups gnomAD compares: Admixed American, 0.017%; no homozygotes.

Submissions (2):

Labcorp Genetics (formerly Invitae), Labcorp
Classification: Likely benign for Ulnar-mammary syndrome. Last evaluated: 2025-06-15. Review status: criteria provided, single submitter. Criteria: Invitae Variant Classification Sherloc (09022015). Collection method: clinical testing. Allele origin: germline.

PreventionGenetics, part of Exact Sciences
Classification: Likely benign for TBX3-related condition. Last evaluated: 2024-12-30. Review status: criteria provided, single submitter. Criteria: ACMG Guidelines, 2015. Collection method: clinical testing. Allele origin: germline.
Comment: This variant is classified as likely benign based on ACMG/AMP sequence variant interpretation guidelines (Richards et al. 2015 PMID: 25741868, with internal and published modifications).

NM_005996.4(TBX3):c.570C>T (p.Ser190=)

Gene: TBX3 (T-box transcription factor 3; minus strand). Cytogenetic location: 12q24.21.
Variant type: single nucleotide variant.
Coding change: c.570C>T on transcript NM_005996.4 (MANE Select); coding-DNA position 570, C replaced by T.
Protein change: p.Ser190=; no amino-acid change (serine 190 retained).
Molecular consequence: synonymous variant.
Genome position (GRCh38, 1-based): chr12:114,680,966, G>A on the plus strand (C>T on the coding strand, the complement: TBX3 is on the minus strand). VCF-style: chr12-114680966-G-A. GRCh37 (hg19) VCF-style: chr12-115118771-G-A.
Other names: c.570C>T, p.Ser190= (NM_016569.4); c.570C>T (NM_016569.3).
Identifiers: ClinVar variation 4804201 (VCV004804201.2).